The following is an entry in ClinVar:

ClinVar aggregate classification (germline): Uncertain significance (1 of 4 stars; one submission).

Conditions:
Bethlem myopathy 1A. Also called: Bethlem myopathy 1; Bethlem Muscular Dystrophy; MYOPATHY, BENIGN CONGENITAL, WITH CONTRACTURES. Identifiers: Orphanet 610, MedGen CN029274, MONDO:0024530, OMIM 158810.

Allele frequency attached by ClinVar (database versions not stated): gnomAD exomes 0.00001; TOPMed 0.00001.
gnomAD v4.1: 2 of 1,614,168 alleles (0.00012%); highest among the groups gnomAD compares: Admixed American, 0.0033%; no homozygotes.

Submission:

Labcorp Genetics (formerly Invitae), Labcorp
Classification: Uncertain significance for Bethlem myopathy 1A. Last evaluated: 2025-10-09. Review status: criteria provided, single submitter. Criteria: Invitae Variant Classification Sherloc (09022015). Collection method: clinical testing. Allele origin: germline.
Comment: This sequence change replaces proline, which is neutral and non-polar, with alanine, which is neutral and non-polar, at codon 1942 of the COL6A3 protein (p.Pro1942Ala). This variant is present in population databases (no rsID available, gnomAD 0.006%). This variant has not been reported in the literature in individuals affected with COL6A3-related conditions. ClinVar contains an entry for this variant (Variation ID: 1492465). Invitae Evidence Modeling of protein sequence and biophysical properties (such as structural, functional, and spatial information, amino acid conservation, physicochemical variation, residue mobility, and thermodynamic stability) indicates that this missense variant is not expected to disrupt COL6A3 protein function with a negative predictive value of 80%. In summary, the available evidence is currently insufficient to determine the role of this variant in disease. Therefore, it has been classified as a Variant of Uncertain Significance.

NM_004369.4(COL6A3):c.5824C>G (p.Pro1942Ala)

Gene: COL6A3 (collagen type VI alpha 3 chain; minus strand). Cytogenetic location: 2q37.3.
Variant type: single nucleotide variant.
Coding change: c.5824C>G on transcript NM_004369.4 (MANE Select); coding-DNA position 5824, C replaced by G.
Protein change: p.Pro1942Ala; replaces proline 1942 with alanine.
Molecular consequence: missense variant.
Genome position (GRCh38, 1-based): chr2:237,365,712, G>C on the plus strand (C>G on the coding strand, the complement: COL6A3 is on the minus strand). VCF-style: chr2-237365712-G-C. GRCh37 (hg19) VCF-style: chr2-238274355-G-C.
Other names: c.4003C>G, p.Pro1335Ala (NM_057166.5); c.5206C>G, p.Pro1736Ala (NM_057167.4); short protein forms P1335A, P1942A, P1736A.
Identifiers: ClinVar variation 1492465 (VCV001492465.6), dbSNP rs1293700251, ClinGen allele CA351185203.